The following is an entry in ClinVar:

NM_001174089.2(SLC4A11):c.44-85C>T

Gene: SLC4A11 (solute carrier family 4 member 11; minus strand). Cytogenetic location: 20p13.
Variant type: single nucleotide variant.
Coding change: c.44-85C>T on transcript NM_001174089.2 (MANE Select); 85 bases into the intron before coding-DNA position 44, C replaced by T.
Molecular consequence: intron variant. On other transcripts: nonsense (1), non-coding transcript variant (2).
Genome position (GRCh38, 1-based): chr20:3,237,673, G>A on the plus strand (C>T on the coding strand, the complement: SLC4A11 is on the minus strand). VCF-style: chr20-3237673-G-A. GRCh37 (hg19) VCF-style: chr20-3218319-G-A.
Other names: c.7C>T, p.Gln3Ter (NM_032034.4); c.-14-85C>T (NM_001400277.1, NM_001400278.1, NM_001400279.1); c.44-85C>T (NM_001363745.2); c.173-85C>T (NM_001400280.1, NM_001174090.2); short protein forms Q3*.
Identifiers: ClinVar variation 2159268 (VCV002159268.4), dbSNP rs2514635320, ClinGen allele CA408064938.
Genomic context (GRCh38, chr20:3,237,673, plus strand): 5'-CAGCCCCATGGACCAAGCCCTGGACCTCCTGTGTGCACCTGTCTCCCCGCCCCCCGACCT[G>A]GCTCATTCCTTCGCTCTTCCGAGGGATGCAACCCACGCCACCCTAGGGAGAAAGGGAAGC-3'

ClinVar aggregate classification (germline): Pathogenic (1 of 4 stars; one submission).

Allele frequency attached by ClinVar (database versions not stated): gnomAD exomes below 0.00001.
gnomAD v4.1: 1 of 1,613,970 alleles (0.000062%); highest among the groups gnomAD compares: Non-Finnish European, 0.000085%; no homozygotes.

Submission:

Labcorp Genetics (formerly Invitae), Labcorp
Classification: Pathogenic. Last evaluated: 2022-04-01. Review status: criteria provided, single submitter. Criteria: Invitae Variant Classification Sherloc (09022015). Collection method: clinical testing. Allele origin: germline.
Comment: This sequence change creates a premature translational stop signal (p.Gln3*) in the SLC4A11 gene. It is expected to result in an absent or disrupted protein product. Loss-of-function variants in SLC4A11 are known to be pathogenic (PMID: 17220209, 17679935). This variant is not present in population databases (gnomAD no frequency). This variant has not been reported in the literature in individuals affected with SLC4A11-related conditions. For these reasons, this variant has been classified as Pathogenic.

Literature cited by the submitters: PubMed 17220209; PubMed 17679935.